The following is an entry in ClinVar:

ClinVar aggregate classification (germline): Pathogenic (0 of 4 stars; one submission).

Submission:

GenMed Metabolism Lab
Classification: Pathogenic. Review status: no assertion criteria provided. Collection method: not provided. Allele origin: unknown.
ClinVar note: Converted during submission from pathogenic to Pathogenic.

NM_000531.6(OTC):c.650C>A (p.Ala217Glu)

Gene: OTC (ornithine transcarbamylase; plus strand). Cytogenetic location: Xp11.4.
Variant type: single nucleotide variant.
Coding change: c.650C>A on transcript NM_000531.6 (MANE Select); coding-DNA position 650, C replaced by A.
Protein change: p.Ala217Glu; replaces alanine 217 with glutamic acid.
Molecular consequence: missense variant.
Genome position (GRCh38, 1-based): chrX:38,403,727, C>A. VCF-style: chrX-38403727-C-A. GRCh37 (hg19) VCF-style: chrX-38262980-C-A.
Other names: short protein forms A217E.
Identifiers: ClinVar variation 97280 (VCV000097280.2), dbSNP rs72558424, ClinGen allele CA224725.